The following is an entry in ClinVar:

NM_004304.5(ALK):c.3613A>C (p.Lys1205Gln)

Gene: ALK (ALK receptor tyrosine kinase; minus strand). Cytogenetic location: 2p23.2.
Variant type: single nucleotide variant.
Coding change: c.3613A>C on transcript NM_004304.5 (MANE Select); coding-DNA position 3613, A replaced by C.
Protein change: p.Lys1205Gln; replaces lysine 1205 with glutamine.
Molecular consequence: missense variant.
Genome position (GRCh38, 1-based): chr2:29,220,738, T>G on the plus strand (A>C on the coding strand, the complement: ALK is on the minus strand). VCF-style: chr2-29220738-T-G. GRCh37 (hg19) VCF-style: chr2-29443604-T-G.
Other names: c.409A>C, p.Lys137Gln (NM_001353765.2); short protein forms K137Q, K1205Q.
Identifiers: ClinVar variation 5034946 (VCV005034946.1).

ClinVar aggregate classification (germline): Uncertain significance (1 of 4 stars; one submission).

Conditions:
Hereditary cancer-predisposing syndrome. Also called: Hereditary Cancer Syndrome; Neoplastic Syndromes, Hereditary; Tumor predisposition; Hereditary neoplastic syndrome. Identifiers: Orphanet 140162, MedGen C0027672, MeSH D009386, MONDO:0015356.

Submission:

Ambry Genetics
Classification: Uncertain significance for Hereditary cancer-predisposing syndrome. Last evaluated: 2026-08-03. Review status: criteria provided, single submitter. Criteria: Ambry Variant Classification Scheme 2023. Collection method: clinical testing. Allele origin: germline.
Comment: The p.K1205Q variant (also known as c.3613A>C), located in coding exon 23 of the ALK gene, results from an A to C substitution at nucleotide position 3613. The lysine at codon 1205 is replaced by glutamine, an amino acid with similar properties. This amino acid position is highly conserved in available vertebrate species. In addition, the in silico prediction for this alteration is inconclusive. Based on the available evidence, the clinical significance of this variant remains unclear.